The following is an entry in ClinVar:

ClinVar aggregate classification (germline): Uncertain significance (1 of 4 stars; one submission).

Allele frequency attached by ClinVar (database versions not stated): gnomAD exomes 0.00001.
gnomAD v4.1: 11 of 1,614,198 alleles (0.00068%); highest among the groups gnomAD compares: Non-Finnish European, 0.00093%; no homozygotes.

Submission:

GeneDx
Classification: Uncertain significance. Last evaluated: 2019-05-28. Review status: criteria provided, single submitter. Criteria: GeneDx Variant Classification Process June 2021. Collection method: clinical testing. Allele origin: germline. Affected: yes.
Comment: Not observed in large population cohorts (Lek et al., 2016); In silico analysis, which includes protein predictors and evolutionary conservation, supports that this variant does not alter protein structure/function; Has not been previously published as pathogenic or benign to our knowledge

NM_001142784.3(IL11RA):c.547C>T (p.His183Tyr)

Gene: IL11RA (interleukin 11 receptor subunit alpha; plus strand). Cytogenetic location: 9p13.3.
Variant type: single nucleotide variant.
Coding change: c.547C>T on transcript NM_001142784.3 (MANE Select); coding-DNA position 547, C replaced by T.
Protein change: p.His183Tyr; replaces histidine 183 with tyrosine.
Molecular consequence: missense variant. On other transcripts: non-coding transcript variant (1).
Genome position (GRCh38, 1-based): chr9:34,657,488, C>T. VCF-style: chr9-34657488-C-T. GRCh37 (hg19) VCF-style: chr9-34657485-C-T.
Other names: short protein forms H183Y.
Identifiers: ClinVar variation 1306164 (VCV001306164.2), dbSNP rs148556750, ClinGen allele CA192675170.